The following is an entry in ClinVar:

NM_001183.6(ATP6AP1):c.557+6G>A

Gene: ATP6AP1 (ATPase H+ transporting accessory protein 1; plus strand). Cytogenetic location: Xq28.
Variant type: single nucleotide variant.
Coding change: c.557+6G>A on transcript NM_001183.6 (MANE Select); 6 bases into the intron after coding-DNA position 557, G replaced by A.
Molecular consequence: intron variant.
Genome position (GRCh38, 1-based): chrX:154,432,465, G>A. VCF-style: chrX-154432465-G-A. GRCh37 (hg19) VCF-style: chrX-153660811-G-A.
Identifiers: ClinVar variation 1968005 (VCV001968005.6), dbSNP rs782677279, ClinGen allele CA337293974.

ClinVar aggregate classification (germline): Uncertain significance. Review status: criteria provided, multiple submitters, no conflicts (2 of 4 stars). 2 submissions from 2 submitters: Uncertain significance (2). Last evaluated 2025-12-18.

Conditions:
Inborn genetic diseases. Identifiers: MedGen C0950123, MeSH D030342.

gnomAD v4.1: 5 of 1,164,161 alleles (0.00043%); highest among the groups gnomAD compares: Non-Finnish European, 0.00057%; no homozygotes.

Submissions (2):

Labcorp Genetics (formerly Invitae), Labcorp
Classification: Uncertain significance. Last evaluated: 2025-12-18. Review status: criteria provided, single submitter. Criteria: Invitae Variant Classification Sherloc (09022015). Collection method: clinical testing. Allele origin: germline.
Comment: This sequence change falls in intron 4 of the ATP6AP1 gene. It does not directly change the encoded amino acid sequence of the ATP6AP1 protein. It affects a nucleotide within the consensus splice site. This variant is not present in population databases (gnomAD no frequency). This variant has not been reported in the literature in individuals affected with ATP6AP1-related conditions. ClinVar contains an entry for this variant (Variation ID: 1968005). Variants that disrupt the consensus splice site are a relatively common cause of aberrant splicing (PMID: 17576681, 9536098). Algorithms developed to predict the effect of sequence changes on RNA splicing suggest that this variant is not likely to affect RNA splicing. In summary, the available evidence is currently insufficient to determine the role of this variant in disease. Therefore, it has been classified as a Variant of Uncertain Significance.

Ambry Genetics
Classification: Uncertain significance for Inborn genetic diseases. Last evaluated: 2021-06-23. Review status: criteria provided, single submitter. Criteria: Ambry Variant Classification Scheme 2023. Collection method: clinical testing. Allele origin: germline.
Comment: The c.557+6G>A intronic alteration consists of a G to A substitution 6 nucleotides after exon 4 of the ATP6AP1 gene. Based on insufficient or conflicting evidence, the clinical significance of this alteration remains unclear.

Literature cited by the submitters: PubMed 17576681 (cited by Labcorp Genetics (formerly Invitae), Labcorp); PubMed 9536098 (cited by Labcorp Genetics (formerly Invitae), Labcorp).